The following is an entry in ClinVar:

ClinVar aggregate classification (germline): Uncertain significance (1 of 4 stars; one submission).

Conditions:
Hypertrophic cardiomyopathy 1 (CMH1). Also called: MYH7-Related Familial Hypertrophic Cardiomyopathy; Familial hypertrophic cardiomyopathy 1. Identifiers: MedGen C3495498, MONDO:0008647, OMIM 192600.

Submission:

Labcorp Genetics (formerly Invitae), Labcorp
Classification: Uncertain significance for Hypertrophic cardiomyopathy 1. Last evaluated: 2023-10-06. Review status: criteria provided, single submitter. Criteria: Invitae Variant Classification Sherloc (09022015). Collection method: clinical testing. Allele origin: germline.
Comment: This sequence change replaces threonine, which is neutral and polar, with serine, which is neutral and polar, at codon 276 of the MYLK2 protein (p.Thr276Ser). This variant is not present in population databases (gnomAD no frequency). This variant has not been reported in the literature in individuals affected with MYLK2-related conditions. Advanced modeling of protein sequence and biophysical properties (such as structural, functional, and spatial information, amino acid conservation, physicochemical variation, residue mobility, and thermodynamic stability) performed at Invitae indicates that this missense variant is not expected to disrupt MYLK2 protein function. In summary, the available evidence is currently insufficient to determine the role of this variant in disease. Therefore, it has been classified as a Variant of Uncertain Significance.

NM_033118.4(MYLK2):c.827C>G (p.Thr276Ser)

Gene: MYLK2 (myosin light chain kinase 2; plus strand). Cytogenetic location: 20q11.21.
Variant type: single nucleotide variant.
Coding change: c.827C>G on transcript NM_033118.4 (MANE Select); coding-DNA position 827, C replaced by G.
Protein change: p.Thr276Ser; replaces threonine 276 with serine.
Molecular consequence: missense variant.
Genome position (GRCh38, 1-based): chr20:31,823,531, C>G. VCF-style: chr20-31823531-C-G. GRCh37 (hg19) VCF-style: chr20-30411334-C-G.
Other names: short protein forms T276S.
Identifiers: ClinVar variation 2766416 (VCV002766416.3), dbSNP rs2515454248, ClinGen allele CA408526464.